The following is an entry in ClinVar:

ClinVar aggregate classification (germline): Uncertain significance. Review status: criteria provided, multiple submitters, no conflicts (2 of 4 stars). 2 submissions from 2 submitters: Uncertain significance (2). Last evaluated 2024-09-03.

Conditions:
Hereditary cancer-predisposing syndrome. Also called: Neoplastic Syndromes, Hereditary; Tumor predisposition; Hereditary neoplastic syndrome; Hereditary Cancer Syndrome. Identifiers: Orphanet 140162, MedGen C0027672, MeSH D009386, MONDO:0015356.

Submissions (2):

Color Diagnostics, LLC DBA Color Health
Classification: Uncertain significance for Hereditary cancer-predisposing syndrome. Last evaluated: 2024-09-03. Review status: criteria provided, single submitter. Criteria: ACMG Guidelines, 2015. Collection method: clinical testing. Allele origin: germline.
Comment: This variant causes a C to T nucleotide substitution at the -1 position of intron 2 of the STK11 gene, changing the AC dinucleotide canonical acceptor site to an AA dinucleotide site. AT-AC intron spliceosomes may tolerate changes in the last intron nucleotide (PMID: 10207048), and thus it is unclear if splicing will be impacted by this variant. To our knowledge, RNA studies have not been reported for this variant. This variant has not been reported in individuals affected with STK11-related disorders in the literature. This variant has not been identified in the general population by the Genome Aggregation Database (gnomAD). The available evidence is insufficient to determine the role of this variant in disease conclusively. Therefore, this variant is classified as a Variant of Uncertain Significance.

Ambry Genetics
Classification: Uncertain significance for Hereditary cancer-predisposing syndrome. Last evaluated: 2024-04-21. Review status: criteria provided, single submitter. Criteria: Ambry Variant Classification Scheme 2023. Collection method: clinical testing. Allele origin: germline.
Comment: The c.375-1C>T intronic variant results from a C to T substitution one nucleotide upstream from coding exon 3 of the STK11 gene. This alteration was identified in a proband with a co-occurring MSH6 pathogenic mutation in a cohort of 1260 individuals undergoing panel testing for Lynch syndrome due to having a diagnosis of a Lynch-associated cancer and/or polyps (Yurgelun MB et al. Gastroenterology, 2015 Sep;149:604-13.e20). This nucleotide position is highly conserved in available vertebrate species. In silico splice site analysis predicts that this alteration will not have any significant effect on splicing; however, direct evidence is insufficient at this time (Ambry internal data). In addition, this alteration is located within a U12-type intron and in silico tools are not reliable predictors of splice sites in this type of intron. Based on the available evidence, the clinical significance of this variant remains unclear.

Literature cited by the submitters: PubMed 10207048 (cited by Color Diagnostics, LLC DBA Color Health); PubMed 25980754 (cited by Ambry Genetics).

NM_000455.5(STK11):c.375-1C>T

Gene: STK11 (serine/threonine kinase 11; plus strand). Cytogenetic location: 19p13.3.
Variant type: single nucleotide variant.
Coding change: c.375-1C>T on transcript NM_000455.5 (MANE Select); the canonical splice acceptor site of the intron before coding-DNA position 375, C replaced by T.
Molecular consequence: splice acceptor variant.
Genome position (GRCh38, 1-based): chr19:1,219,323, C>T. VCF-style: chr19-1219323-C-T. GRCh37 (hg19) VCF-style: chr19-1219322-C-T.
Other names: c.375-1C>T (NM_001407255.1).
Identifiers: ClinVar variation 3323254 (VCV003323254.2).
Genomic context (GRCh38, chr19:1,219,323, plus strand): 5'-CCGTGCTCCCTGGGCCTGTGAGTGGGGCCGCCCCCTGAGCTGTGTGTCCTTAGCGCCCCA[C>T]GTATATGGTGATGGAGTACTGCGTGTGTGGCATGCAGGAAATGCTGGACAGCGTGCCGGA-3'